The following is an entry in ClinVar:

NM_000760.4(CSF3R):c.1324C>T (p.Pro442Ser)

Gene: CSF3R (colony stimulating factor 3 receptor; minus strand). Cytogenetic location: 1p34.3.
Variant type: single nucleotide variant.
Coding change: c.1324C>T on transcript NM_000760.4 (MANE Select); coding-DNA position 1324, C replaced by T.
Protein change: p.Pro442Ser; replaces proline 442 with serine.
Molecular consequence: missense variant.
Genome position (GRCh38, 1-based): chr1:36,469,802, G>A on the plus strand (C>T on the coding strand, the complement: CSF3R is on the minus strand). VCF-style: chr1-36469802-G-A. GRCh37 (hg19) VCF-style: chr1-36935403-G-A.
Other names: c.1324C>T, p.Pro442Ser (NM_156039.3, NM_172313.3); short protein forms P442S.
Identifiers: ClinVar variation 952709 (VCV000952709.1), dbSNP rs1260196968, ClinGen allele CA339420237.
Genomic context (GRCh38, chr1:36,469,802, plus strand): 5'-CAATCACATAGCCCTGAGGCCATGGATTGGGGGGCTCCCAGCCTACCCAGAGGCTGTGAG[G>A]GTCTCGGGCCATGGCATGGAGTCTGGTCAGAGCTGGGCCTGGAGACAGGGTGGGAAATGG-3'
Protein context (NP_000751.1, residues 432-452): LTRLHAMARD[Pro442Ser]HSLWVGWEPP

ClinVar aggregate classification (germline): Uncertain significance (1 of 4 stars; one submission).

Conditions:
Autosomal recessive severe congenital neutropenia due to CSF3R deficiency. Also called: Neutropenia, severe congenital, 7, autosomal recessive. Identifiers: Orphanet 420702, MedGen C4310764, MONDO:0014865, OMIM 617014.

Submission:

Labcorp Genetics (formerly Invitae), Labcorp
Classification: Uncertain significance for Neutropenia, severe congenital, 7, autosomal recessive. Last evaluated: 2019-04-25. Review status: criteria provided, single submitter. Criteria: Invitae Variant Classification Sherloc (09022015). Collection method: clinical testing. Allele origin: germline.
Comment: This sequence change replaces proline with serine at codon 442 of the CSF3R protein (p.Pro442Ser). The proline residue is moderately conserved and there is a moderate physicochemical difference between proline and serine. This variant is not present in population databases (ExAC no frequency). This variant has not been reported in the literature in individuals with CSF3R-related conditions. Algorithms developed to predict the effect of missense changes on protein structure and function (SIFT, PolyPhen-2, Align-GVGD) all suggest that this variant is likely to be tolerated, but these predictions have not been confirmed by published functional studies and their clinical significance is uncertain. In summary, the available evidence is currently insufficient to determine the role of this variant in disease. Therefore, it has been classified as a Variant of Uncertain Significance.